The following is an entry in ClinVar:

NM_018960.6(GNMT):c.189dup (p.Val64fs)

Genes: CNPY3-GNMT (CNPY3-GNMT readthrough; plus strand), GNMT (glycine N-methyltransferase; plus strand). Cytogenetic location: 6p21.1.
Variant type: Duplication.
Coding change: c.189dup on transcript NM_018960.6 (MANE Select); coding-DNA position 189, one base duplicated (C; older notation c.189dupC).
Protein change: p.Val64fs; shifts the reading frame from valine 64.
Molecular consequence: frameshift variant. On other transcripts: non-coding transcript variant (1), intron variant (3).
Genome position (GRCh38, 1-based): chr6:42,960,956, C duplicated. VCF-style (leftmost placement, unchanged base first): chr6-42960955-A-AC. GRCh37 (hg19) VCF-style: chr6-42928693-A-AC.
Other names: c.189dup, p.Val64fs (NM_001318865.2); c.9-1256dup (NM_001318856.2); c.152-1806dup (NM_001318857.2, NM_001318858.2); short protein forms V64fs.
Identifiers: ClinVar variation 2885689 (VCV002885689.3), dbSNP rs1258647750, ClinGen allele CA566785114.
Genomic context (GRCh38, chr6:42,960,955, plus strand): 5'-CCGAGTACAAGGCATGGCTGCTTGGGCTGCTGCGCCAGCACGGCTGCCAGCGGGTGCTCG[A>AC]CGTAGCCTGTGGCACTGGGTGAGCCCAGGCCGGGGCCGGGGGCGTTGCATGAGATCGGGG-3'

ClinVar aggregate classification (germline): Uncertain significance (1 of 4 stars; one submission).

Allele frequency attached by ClinVar (database versions not stated): gnomAD 0.00001; gnomAD exomes 0.00001; TOPMed 0.00006.

Submission:

Labcorp Genetics (formerly Invitae), Labcorp
Classification: Uncertain significance. Last evaluated: 2023-07-11. Review status: criteria provided, single submitter. Criteria: Invitae Variant Classification Sherloc (09022015). Collection method: clinical testing. Allele origin: germline.
Comment: This sequence change creates a premature translational stop signal (p.Val64Argfs*26) in the GNMT gene. It is expected to result in an absent or disrupted protein product. However, the current clinical and genetic evidence is not sufficient to establish whether loss-of-function variants in GNMT cause disease. This variant is present in population databases (no rsID available, gnomAD 0.004%). This variant has not been reported in the literature in individuals affected with GNMT-related conditions. In summary, the available evidence is currently insufficient to determine the role of this variant in disease. Therefore, it has been classified as a Variant of Uncertain Significance.